The following is an entry in ClinVar:

NC_000016.9:g.(?_3786631)_(3790570_?)dup

Gene: CREBBP (CREB binding lysine acetyltransferase; minus strand). Cytogenetic location: 16p13.3.
Variant type: Duplication.
Identifiers: ClinVar variation 527969 (VCV000527969.6).

ClinVar aggregate classification (germline): Likely pathogenic. Review status: criteria provided, single submitter (1 of 4 stars). 2 submissions from 1 submitter: Likely pathogenic (2). Last evaluated 2017-12-20.

Conditions:
Rubinstein-Taybi syndrome (RSTS). Identifiers: Orphanet 783, MedGen C0035934, MONDO:0019188.
Rubinstein-Taybi syndrome due to CREBBP mutations (RSTS1). Also called: RUBINSTEIN SYNDROME; BROAD THUMBS AND GREAT TOES, CHARACTERISTIC FACIES, AND IMPAIRED INTELLECTUAL DEVELOPMENT; RUBINSTEIN-TAYBI SYNDROME 1, INCOMPLETE; Rubinstein-Taybi syndrome 1; BROAD THUMB-HALLUX SYNDROME; CREBBP-Related Rubinstein-Taybi Syndrome. Identifiers: Orphanet 353277, Orphanet 783, MedGen C4551859, MONDO:0008393, OMIM 180849.

Submissions (2):

Labcorp Genetics (formerly Invitae), Labcorp
Classification: Likely pathogenic for Rubinstein-Taybi syndrome. Last evaluated: 2017-12-20. Review status: criteria provided, single submitter. Criteria: Invitae Variant Classification Sherloc (09022015). Collection method: clinical testing. Allele origin: germline.
Comment: This variant is a gross duplication of the genomic region encompassing exons 24-27 of the CREBBP gene. While the exact position of the duplicated exons cannot be determined from this data, sub-genic duplications are generally in tandem (PMID: 25640679) and may result in an absent or disrupted protein product. Duplication of exon 24-27 has not been reported in the literature in individuals with CREBBP-related disease. Loss-of-function variants in CREBBP are known to be pathogenic (PMID: 17052327, 18792986). In summary, the currently available evidence indicates that the variant is pathogenic, but additional data are needed to prove that conclusively. Therefore, this variant has been classified as Likely Pathogenic.

Labcorp Genetics (formerly Invitae), Labcorp
Classification: Likely pathogenic for Rubinstein-Taybi syndrome. Last evaluated: 2017-11-30. Review status: criteria provided, single submitter. Criteria: Invitae Variant Classification Sherloc (09022015). Collection method: clinical testing. Allele origin: germline.
Comment: In summary, the currently available evidence indicates that the variant is pathogenic, but additional data are needed to prove that conclusively. Therefore, this variant has been classified as Likely Pathogenic. Loss-of-function variants in CREBBP are known to be pathogenic (PMID: 17052327, 18792986). Duplication of exon 24-27 has not been reported in the literature in individuals with CREBBP-related disease. This variant is a gross duplication of the genomic region encompassing exons 24-27 of the CREBBP gene. While the exact position of the duplicated exons cannot be determined from this data, sub-genic duplications are generally in tandem (PMID: 25640679) and may result in an absent or disrupted protein product.

Literature cited by the submitters: PubMed 17052327; PubMed 18792986; PubMed 25640679.